The following is an entry in ClinVar:

NM_000168.6(GLI3):c.*3004G>A

Gene: GLI3 (GLI family zinc finger 3; minus strand). Cytogenetic location: 7p14.1.
Variant type: single nucleotide variant.
Coding change: c.*3004G>A on transcript NM_000168.6 (MANE Select); 3004 bases downstream of the stop codon, G replaced by A.
Molecular consequence: 3 prime UTR variant.
Genome position (GRCh38, 1-based): chr7:41,961,326, C>T on the plus strand (G>A on the coding strand, the complement: GLI3 is on the minus strand). VCF-style: chr7-41961326-C-T. GRCh37 (hg19) VCF-style: chr7-42000924-C-T.
Identifiers: ClinVar variation 360161 (VCV000360161.5), dbSNP rs3735361, ClinGen allele CA10629179.

ClinVar aggregate classification (germline): Benign. Review status: criteria provided, single submitter (1 of 4 stars). 3 submissions from 1 submitter: Benign (3). Last evaluated 2018-01-13.

Conditions:
Polydactyly. Also called: polydactylism. Identifiers: MedGen C0152427, MONDO:0021003, OMIM 603596, HP:0010442.
Pallister-Hall syndrome (PHS). Also called: HYPOTHALAMIC HAMARTOBLASTOMA, HYPOPITUITARISM, IMPERFORATE ANUS, AND POSTAXIAL POLYDACTYLY; GLI3-Related Pallister-Hall Syndrome. Identifiers: Orphanet 672, MedGen C0265220, MONDO:0007804, OMIM 146510.
Greig cephalopolysyndactyly syndrome (GCPS). Also called: POLYSYNDACTYLY WITH PECULIAR SKULL SHAPE; Greig syndrome; GLI3-Related Greig Cephalopolysyndactyly Syndrome. Identifiers: Orphanet 380, MedGen C0265306, MONDO:0008287, OMIM 175700.

Allele frequency attached by ClinVar (database versions not stated): TOPMed 0.26997; 1000 Genomes Project 30x 0.30122; 1000 Genomes Project 0.31130.
gnomAD v4.1: 42,350 of 152,342 alleles (28%); highest among the groups gnomAD compares: East Asian, 59%; 7,217 homozygotes.

Submissions (3):

Illumina Laboratory Services, Illumina
Classification: Benign for Polydactyly. Last evaluated: 2018-01-13. Review status: criteria provided, single submitter. Criteria: ICSL Variant Classification Criteria 13 December 2019. Collection method: clinical testing. Allele origin: germline.
Comment: This variant was observed in the ICSL laboratory as part of a predisposition screen in an ostensibly healthy population. It had not been previously curated by ICSL or reported in the Human Gene Mutation Database (HGMD: prior to June 1st, 2018), and was therefore a candidate for classification through an automated scoring system. Utilizing variant allele frequency, disease prevalence and penetrance estimates, and inheritance mode, an automated score was calculated to assess if this variant is too frequent to cause the disease. Based on the score and internal cut-off values, a variant classified as benign is not then subjected to further curation. The score for this variant resulted in a classification of benign for this disease.

Illumina Laboratory Services, Illumina
Classification: Benign for Greig cephalopolysyndactyly syndrome. Last evaluated: 2018-01-13. Review status: criteria provided, single submitter. Criteria: ICSL Variant Classification Criteria 13 December 2019. Collection method: clinical testing. Allele origin: germline.
Comment: the same text as in the submission from Illumina Laboratory Services, Illumina above.

Illumina Laboratory Services, Illumina
Classification: Benign for Pallister-Hall syndrome. Last evaluated: 2018-01-13. Review status: criteria provided, single submitter. Criteria: ICSL Variant Classification Criteria 13 December 2019. Collection method: clinical testing. Allele origin: germline.
Comment: the same text as in the submission from Illumina Laboratory Services, Illumina above.